The following is an entry in ClinVar:

ClinVar aggregate classification (germline): Uncertain significance (1 of 4 stars; one submission).

Conditions:
Mitochondrial complex II deficiency, nuclear type 1. Also called: SUCCINATE CoQ REDUCTASE DEFICIENCY. Identifiers: Orphanet 3208, MedGen C5700310, MONDO:0100294, OMIM 252011.
Pheochromocytoma/paraganglioma syndrome 5. Also called: Paragangliomas 5; SDHA-Related Hereditary Paraganglioma-Pheochromocytoma Syndrome. Identifiers: Orphanet 29072, MedGen C3279992, MONDO:0013602, OMIM 614165.

Submission:

Labcorp Genetics (formerly Invitae), Labcorp
Classification: Uncertain significance for Pheochromocytoma/paraganglioma syndrome 5; Mitochondrial complex II deficiency, nuclear type 1. Last evaluated: 2024-10-29. Review status: criteria provided, single submitter. Criteria: Invitae Variant Classification Sherloc (09022015). Collection method: clinical testing. Allele origin: germline.
Comment: This sequence change falls in intron 2 of the SDHA gene. It does not directly change the encoded amino acid sequence of the SDHA protein. This variant is not present in population databases (gnomAD no frequency). This variant has not been reported in the literature in individuals affected with SDHA-related conditions. ClinVar contains an entry for this variant (Variation ID: 2145890). Studies have shown that this variant is associated with inconclusive levels of altered splicing (internal data). In summary, the available evidence is currently insufficient to determine the role of this variant in disease. Therefore, it has been classified as a Variant of Uncertain Significance.

NM_004168.4(SDHA):c.151-15A>G

Gene: SDHA (succinate dehydrogenase complex flavoprotein subunit A; plus strand). Cytogenetic location: 5p15.33.
Variant type: single nucleotide variant.
Coding change: c.151-15A>G on transcript NM_004168.4 (MANE Select); 15 bases into the intron before coding-DNA position 151, A replaced by G.
Molecular consequence: intron variant.
Genome position (GRCh38, 1-based): chr5:224,345, A>G. VCF-style: chr5-224345-A-G. GRCh37 (hg19) VCF-style: chr5-224460-A-G.
Other names: c.151-15A>G (NM_001330758.2, NM_001294332.2).
Identifiers: ClinVar variation 2145890 (VCV002145890.4), dbSNP rs2477285105, ClinGen allele CA2580073079.